The following is an entry in ClinVar:

ClinVar aggregate classification (germline): Uncertain significance. Review status: criteria provided, multiple submitters, no conflicts (2 of 4 stars). 2 submissions from 2 submitters: Uncertain significance (2). Last evaluated 2026-05-26.

Conditions:
Hereditary cancer-predisposing syndrome. Also called: Tumor predisposition; Hereditary neoplastic syndrome; Neoplastic Syndromes, Hereditary; Hereditary Cancer Syndrome. Identifiers: Orphanet 140162, MedGen C0027672, MeSH D009386, MONDO:0015356.

Submissions (2):

Ambry Genetics
Classification: Uncertain significance for Hereditary cancer-predisposing syndrome. Last evaluated: 2026-05-26. Review status: criteria provided, single submitter. Criteria: Ambry Variant Classification Scheme 2023. Collection method: clinical testing. Allele origin: germline.
Comment: The p.K209Q variant (also known as c.625A>C), located in coding exon 7 of the POLE gene, results from an A to C substitution at nucleotide position 625. The lysine at codon 209 is replaced by glutamine, an amino acid with similar properties. This amino acid position is highly conserved in available vertebrate species. In addition, this alteration is predicted to be tolerated by in silico analysis. Based on the available evidence, the clinical significance of this variant remains unclear.

Labcorp Genetics (formerly Invitae), Labcorp
Classification: Uncertain significance. Last evaluated: 2017-05-24. Review status: criteria provided, single submitter. Criteria: Invitae Variant Classification Sherloc (09022015). Collection method: clinical testing. Allele origin: germline.
Comment: In summary, this variant has uncertain impact on POLE function. The available evidence is currently insufficient to determine its role in disease. Therefore, it has been classified as a Variant of Uncertain Significance. Algorithms developed to predict the effect of missense changes on protein structure and function (SIFT, PolyPhen-2, Align-GVGD) all suggest that this variant is likely to be tolerated, but these predictions have not been confirmed by published functional studies and their clinical significance is uncertain. This variant has not been reported in the literature in individuals with a POLE-related disease. This variant is not present in population databases (ExAC no frequency). This sequence change replaces lysine with glutamine at codon 209 of the POLE protein (p.Lys209Gln). The lysine residue is highly conserved and there is a small physicochemical difference between lysine and glutamine.

NM_006231.4(POLE):c.625A>C (p.Lys209Gln)

Gene: POLE (DNA polymerase epsilon, catalytic subunit; minus strand). Cytogenetic location: 12q24.33.
Variant type: single nucleotide variant.
Coding change: c.625A>C on transcript NM_006231.4 (MANE Select); coding-DNA position 625, A replaced by C.
Protein change: p.Lys209Gln; replaces lysine 209 with glutamine.
Molecular consequence: missense variant.
Genome position (GRCh38, 1-based): chr12:132,677,673, T>G on the plus strand (A>C on the coding strand, the complement: POLE is on the minus strand). VCF-style: chr12-132677673-T-G. GRCh37 (hg19) VCF-style: chr12-133254259-T-G.
Other names: c.625A>C (NM_006231.2); short protein forms K209Q.
Identifiers: ClinVar variation 473788 (VCV000473788.9), dbSNP rs1555229720, ClinGen allele CA387365270.